The following continues an entry in ClinVar:

NM_000518.5(HBB):c.315+1G>A

ClinVar aggregate classification (germline): Pathogenic. Pathogenic (29).

Submissions 11 to 35 of 35:

Fulgent Genetics
Classification: Pathogenic for Heinz body anemia; Hereditary persistence of fetal hemoglobin; Dominant beta-thalassemia; Hb SS disease; Malaria, susceptibility to; Beta-thalassemia HBB/LCRB; METHEMOGLOBINEMIA, BETA TYPE; Erythrocytosis, familial, 6. Last evaluated: 2024-04-25. Review status: criteria provided, single submitter. Criteria: ACMG Guidelines, 2015. Collection method: clinical testing. Allele origin: germline.

Genomic Medicine Center of Excellence, King Faisal Specialist Hospital and Research Centre
Classification: Pathogenic for Malaria, susceptibility to. Last evaluated: 2024-03-17. Review status: criteria provided, single submitter. Criteria: ACMG Guidelines, 2015. Collection method: research. Allele origin: germline.

Laboratory of Medical Genetics, National & Kapodistrian University of Athens
Classification: Pathogenic for Beta-thalassemia HBB/LCRB. Last evaluated: 2024-02-01. Review status: criteria provided, single submitter. Criteria: ACMG Guidelines, 2015. Collection method: curation. Allele origin: germline. Affected: no.

Laboratory for Molecular Medicine, Mass General Brigham Personalized Medicine
Classification: Pathogenic for beta Thalassemia. Last evaluated: 2022-11-03. Review status: criteria provided, single submitter. Criteria: ACMG Guidelines, 2015. Collection method: clinical testing. Allele origin: germline.
Comment: The c.315+1G>A variant in HBB, also known as IVS-II-1 G>A, has been identified in multiple individuals with beta-thalassemia in both the homozygous and in the compound heterozygous state (Jalilian 2017 PMID: 28391758, Wakamatsu 1994 PMID: 8091935, Treisman 1982 PMID: 7151176). It has been reported in ClinVar (Variation ID 15438)and has been identified in 7/41440 African chromosomes by gnomAD. This variant occurs within the canonical splice site (+/- 1,2) and is predicted to cause altered splicing leading to an abnormal or absent protein. Loss of function of the HBB gene is an established disease mechanism in autosomal recessive beta thalassemia. In summary, this variant meets criteria to be classified as pathogenic for autosomal recessive beta thalassemia. ACMG/AMP Criteria applied: PM2_Supporting, PVS1, PM3.

Institute of Human Genetics, Heidelberg University
Classification: Pathogenic for Beta-thalassemia HBB/LCRB. Last evaluated: 2022-09-21. Review status: criteria provided, single submitter. Criteria: ACMG Guidelines, 2015. Collection method: clinical testing. Allele origin: unknown. Affected: yes.

Department of Pathology and Laboratory Medicine, Sinai Health System
Classification: Pathogenic for erythrocytosis, familial, 6. Last evaluated: 2022-05-18. Review status: criteria provided, single submitter. Criteria: ACMG Guidelines, 2015. Collection method: research. Allele origin: germline.

MGZ Medical Genetics Center
Classification: Pathogenic for Beta-thalassemia HBB/LCRB. Last evaluated: 2022-02-17. Review status: criteria provided, single submitter. Criteria: ACMG Guidelines, 2015. Collection method: clinical testing. Allele origin: germline. Affected: yes. Observed: 2 variant alleles.
Comment: ACMG criteria applied: PVS1, PS3, PS4_MOD, PM3, PM2_SUP, PP4

Quest Diagnostics Nichols Institute San Juan Capistrano
Classification: Pathogenic. Last evaluated: 2021-11-24. Review status: criteria provided, single submitter. Criteria: Quest Diagnostics criteria. Collection method: clinical testing. Allele origin: unknown.
Comment: The HBB c.315+1G>A pathogenic variant disrupts a canonical splice-donor site and interferes with normal splicing of the beta globin mRNA. The variant is associated with beta-zero thalassemia (, and PMID: 28391758 (2017), 26193974 (2015), 25332589 (2014), 7151176 (1982)).

GeneDx
Classification: Pathogenic. Last evaluated: 2021-11-01. Review status: criteria provided, single submitter. Criteria: GeneDx Variant Classification Process June 2021. Collection method: clinical testing. Allele origin: germline. Affected: yes.
Comment: Canonical splice site variant in a gene for which loss-of-function is a known mechanism of disease; Reported previously in association with beta-thalassemia and reported to result in abnormal RNA splicing (Nasouhipur et al., 2014; Poddighe et al., 2015; Treisman et al., 1982); This variant is associated with the following publications: (PMID: 25087612, 25525159, 25332589, 26193974, 7151176, 28391758, 32581362, 34272389, 11559936, 34426522, 9163586, 8091935, 31589614, 14555304)

Institute of Human Genetics, University of Leipzig Medical Center
Classification: Pathogenic for Dominant beta-thalassemia. Last evaluated: 2021-08-18. Review status: criteria provided, single submitter. Criteria: ACMG Guidelines, 2015. Collection method: clinical testing. Allele origin: unknown. Affected: yes.
Comment: This variant was identified as homozygous.

Genome-Nilou Lab
Classification: Pathogenic for Beta-thalassemia HBB/LCRB. Last evaluated: 2021-07-22. Review status: criteria provided, single submitter. Criteria: ACMG Guidelines, 2015. Collection method: clinical testing. Allele origin: germline. Affected: no.

Dubai Health Genomic Medicine Center, Dubai Health
Classification: Pathogenic. Last evaluated: 2020-05-14. Review status: criteria provided, single submitter. Criteria: ACMG Guidelines, 2015. Collection method: clinical testing. Allele origin: germline. Affected: yes.
Comment: The c.315+1G>A variant in HBB is a well established Beta-zero thalassmia allele leading to complete inactivation of the HBB gene (HbVar database). It has been observed in 11/282562 (0.004% 0 homozygotes) total alleles in the Genome aggregation database (gbnomAD). This variant occurs in the invariant region (+/- 1/2) of the splice consensus sequence and is predicted to cause altered splicing leading to an abnormal or absent protein. Experimental studies have shown that this variant has a deleterious effect on splicing (PMID: 7151176). In summary this variant meets our criteria to be classified as pathogenic .

Myriad Genetics, Inc.
Classification: Pathogenic for Beta-thalassemia HBB/LCRB. Last evaluated: 2019-12-04. Review status: criteria provided, single submitter. Criteria: Myriad Women's Health Autosomal Recessive and X-Linked Classification Criteria (2019). Collection method: clinical testing. Allele origin: unknown.
Comment: NM_000518.4(HBB):c.315+1G>A is classified as pathogenic in the context of Hb beta chain-related hemoglobinopathy; it is associated with beta thalassemia and is classified as a beta-zero variant. Sources cited for classification include the following: PMID 1483699, 25332589, 7558878 and 1634368. Classification of NM_000518.4(HBB):c.315+1G>A is based on the following criteria: The variant is located at a canonical splice site, is expected to disrupt gene function and is reported in individuals with the relevant phenotype. Please note: this variant was assessed in the context of healthy population screening.

Baylor Genetics
Classification: Pathogenic for Beta-thalassemia HBB/LCRB. Last evaluated: 2019-09-12. Review status: criteria provided, single submitter. Criteria: ACMG Guidelines, 2015. Collection method: clinical testing. Allele origin: unknown. Affected: yes.
Comment: This variant was determined to be pathogenic according to ACMG Guidelines, 2015 [PMID:25741868].

Genomic Research Center, Shahid Beheshti University of Medical Sciences
Classification: Pathogenic for beta Thalassemia. Last evaluated: 2017-12-03. Review status: criteria provided, single submitter. Criteria: ACMG Guidelines, 2015. Collection method: clinical testing. Allele origin: inherited. Observed: 2 variant alleles.

Women's Health and Genetics/Laboratory Corporation of America, LabCorp
Classification: Pathogenic for beta Thalassemia. Last evaluated: 2016-05-03. Review status: criteria provided, single submitter. Criteria: LabCorp Variant Classification Summary - May 2015. Collection method: clinical testing. Allele origin: germline.
Comment: Variant summary: The HBB c.315+1G>A variant affects a conserved nucleotide located in a canonical splice-site. Mutation taster predicts damaging outcome for this variant along with 5/5 splice-tools via Alamut predicting this variant to completely abolish 5' splicing donor site. These predictions have been confirmed by a functional study (Treisman_1982) suggesting pathogenicity. The variant was found in 5/121204 control chromosomes at a frequency of 0.0000413, which does not exceed the estimated maximal expected frequency of a pathogenic HBB allele (0.0111803). Moreover, it was reported in several patients with BTHAL and thalassemia major further supporting pathogenicity. In addition, multiple reputable databases classified this variant as pathogenic. Taken together, this variant is classified as pathogenic.

Baylor Genetics
Classification: Pathogenic for Hb SS disease. Review status: criteria provided, single submitter. Criteria: ACMG Guidelines, 2015. Collection method: clinical testing. Allele origin: germline.

CENTOGENE GmbH and LLC - Guiding Precision Medicine
Classification: Pathogenic for Beta-thalassemia HBB/LCRB. Review status: criteria provided, single submitter. Criteria: ACMG Guidelines, 2015. Collection method: clinical testing. Allele origin: germline. Affected: yes.

Kariminejad - Najmabadi Pathology & Genetics Center
Classification: Pathogenic for Hb SS disease. Review status: criteria provided, single submitter. Criteria: ACMG Guidelines, 2015. Collection method: clinical testing. Allele origin: germline. Affected: no.

Clinical Genetics Laboratory, University Hospital Schleswig-Holstein
Classification: Pathogenic for Beta-thalassemia HBB/LCRB. Last evaluated: 2023-09-19. Review status: no assertion criteria provided. Collection method: clinical testing. Allele origin: germline. Affected: yes. Not counted in ClinVar's aggregate classification.

The ITHANET community portal, The Cyprus Institute of Neurology and Genetics
Classification: Pathogenic for beta Thalassemia. Last evaluated: 2019-11-25. Review status: no assertion criteria provided. Collection method: curation. Allele origin: germline. Not counted in ClinVar's aggregate classification.

College of Science, Al Muthanna University, Al Muthanna University
Classification: Pathogenic for beta^0^ Thalassemia. Last evaluated: 2018-01-01. Review status: no assertion criteria provided. Collection method: research. Allele origin: germline. Affected: yes. Not counted in ClinVar's aggregate classification.

OMIM
Classification: Pathogenic for BETA-ZERO-THALASSEMIA. Last evaluated: 1998-03-15. Review status: no assertion criteria provided. Collection method: literature only. Allele origin: germline. Not counted in ClinVar's aggregate classification.

GeneReviews
No classification provided. Condition: beta Thalassemia. Review status: no classification provided. Collection method: literature only. Allele origin: germline. Not counted in ClinVar's aggregate classification.

NIHR Bioresource Rare Diseases, University of Cambridge
Classification: Pathogenic for Beta-thalassemia HBB/LCRB. Review status: no assertion criteria provided. Collection method: research. Allele origin: unknown. Affected: yes. Observed: 1 variant allele. Not counted in ClinVar's aggregate classification.

Literature cited by the submitters: PubMed 33335418 (cited by Natera, Inc.); PubMed 20301599 (cited by Center for Genomic Medicine, Rigshospitalet, Copenhagen University Hospital and Rady Children's Institute for Genomic Medicine, Rady Children's Hospital San Diego); PubMed 7151176 (cited by 8 submitters); PubMed 2446680 (cited by 3 submitters); PubMed 23590658 (cited by Labcorp Genetics (formerly Invitae), Labcorp and Rady Children's Institute for Genomic Medicine, Rady Children's Hospital San Diego); PubMed 25332589 (cited by 5 submitters); PubMed 27263053 (cited by 4 submitters); PubMed 28391758 (cited by 4 submitters); PubMed 17576681 (cited by Labcorp Genetics (formerly Invitae), Labcorp); PubMed 9536098 (cited by Labcorp Genetics (formerly Invitae), Labcorp); PubMed 8091935 (cited by Rady Children's Institute for Genomic Medicine, Rady Children's Hospital San Diego and Genetics Laboratory, Al-Manara University for Medical Sciences); PubMed 24106605 (cited by Rady Children's Institute for Genomic Medicine, Rady Children's Hospital San Diego); PubMed 31372199 (cited by Rady Children's Institute for Genomic Medicine, Rady Children's Hospital San Diego); PubMed 37671080 (cited by Rady Children's Institute for Genomic Medicine, Rady Children's Hospital San Diego); PubMed 25087612 (cited by Genetics Laboratory, Al-Manara University for Medical Sciences); PubMed 25525159 (cited by Genetics Laboratory, Al-Manara University for Medical Sciences and Women's Health and Genetics/Laboratory Corporation of America, LabCorp); PubMed 26193974 (cited by Genetics Laboratory, Al-Manara University for Medical Sciences and Quest Diagnostics Nichols Institute San Juan Capistrano); PubMed 32581362 (cited by Genetics Laboratory, Al-Manara University for Medical Sciences and NIHR Bioresource Rare Diseases, University of Cambridge); PubMed 34272389 (cited by Genetics Laboratory, Al-Manara University for Medical Sciences); PubMed 11559936 (cited by Genetics Laboratory, Al-Manara University for Medical Sciences); PubMed 34426522 (cited by Genetics Laboratory, Al-Manara University for Medical Sciences); PubMed 9163586 (cited by Genetics Laboratory, Al-Manara University for Medical Sciences); PubMed 31589614 (cited by Genetics Laboratory, Al-Manara University for Medical Sciences); PubMed 14555304 (cited by Genetics Laboratory, Al-Manara University for Medical Sciences); PubMed 3462712 (cited by Quest Diagnostics Nichols Institute San Juan Capistrano); PubMed 1483699 (cited by Myriad Genetics, Inc.); PubMed 7558878 (cited by Myriad Genetics, Inc.); PubMed 1634368 (cited by Myriad Genetics, Inc. and OMIM); PubMed 12144057 (cited by Women's Health and Genetics/Laboratory Corporation of America, LabCorp); PubMed 15654898 (cited by Women's Health and Genetics/Laboratory Corporation of America, LabCorp); PubMed 32860008 (cited by CENTOGENE GmbH and LLC - Guiding Precision Medicine); PubMed 6270663 (cited by The ITHANET community portal, The Cyprus Institute of Neurology and Genetics); PubMed 31714438 (cited by College of Science, Al Muthanna University, Al Muthanna University); PubMed 3422218 (cited by OMIM); PubMed 2903765 (cited by OMIM); PubMed 1427786 (cited by OMIM); PubMed 8917506 (cited by OMIM); PubMed 9490703 (cited by OMIM); NCBI Bookshelf NBK1426 (cited by GeneReviews).